The following is an entry in ClinVar:

ClinVar aggregate classification (germline): Uncertain significance (1 of 4 stars; one submission).

Allele frequency attached by ClinVar (database versions not stated): gnomAD 0.00001; ESP Exome Variant Server 0.00015.
gnomAD v4.1: 3 of 1,613,898 alleles (0.00019%); highest among the groups gnomAD compares: African/African-American, 0.004%; no homozygotes.

Submission:

Labcorp Genetics (formerly Invitae), Labcorp
Classification: Uncertain significance. Last evaluated: 2021-07-27. Review status: criteria provided, single submitter. Criteria: Invitae Variant Classification Sherloc (09022015). Collection method: clinical testing. Allele origin: germline.
Comment: In summary, the available evidence is currently insufficient to determine the role of this variant in disease. Therefore, it has been classified as a Variant of Uncertain Significance. Algorithms developed to predict the effect of missense changes on protein structure and function are either unavailable or do not agree on the potential impact of this missense change (SIFT: "Tolerated"; PolyPhen-2: "Possibly Damaging"; Align-GVGD: "Class C0"). This variant has not been reported in the literature in individuals with KIF22-related conditions. This variant is present in population databases (rs372310662, ExAC 0.02%). This sequence change replaces lysine with asparagine at codon 552 of the KIF22 protein (p.Lys552Asn). The lysine residue is moderately conserved and there is a moderate physicochemical difference between lysine and asparagine.

NM_007317.3(KIF22):c.1656G>T (p.Lys552Asn)

Gene: KIF22 (kinesin family member 22; plus strand). Cytogenetic location: 16p11.2.
Variant type: single nucleotide variant.
Coding change: c.1656G>T on transcript NM_007317.3 (MANE Select); coding-DNA position 1656, G replaced by T.
Protein change: p.Lys552Asn; replaces lysine 552 with asparagine.
Molecular consequence: missense variant.
Genome position (GRCh38, 1-based): chr16:29,804,044, G>T. VCF-style: chr16-29804044-G-T. GRCh37 (hg19) VCF-style: chr16-29815365-G-T.
Other names: c.1452G>T, p.Lys484Asn (NM_001256269.2, NM_001256270.1); short protein forms K484N, K552N.
Identifiers: ClinVar variation 1485093 (VCV001485093.8), dbSNP rs372310662, ClinGen allele CA7993366.